The following is an entry in ClinVar:

NM_001162501.2(TNRC6B):c.280C>T (p.Arg94Ter)

Gene: TNRC6B (trinucleotide repeat containing adaptor 6B; plus strand). Cytogenetic location: 22q13.1.
Variant type: single nucleotide variant.
Coding change: c.280C>T on transcript NM_001162501.2 (MANE Select); coding-DNA position 280, C replaced by T.
Protein change: p.Arg94Ter; replaces arginine 94 with a stop codon.
Molecular consequence: nonsense.
Genome position (GRCh38, 1-based): chr22:40,261,996, C>T. VCF-style: chr22-40261996-C-T. GRCh37 (hg19) VCF-style: chr22-40658000-C-T.
Other names: c.388C>T, p.Arg130Ter (NM_001024843.2); c.280C>T, p.Arg94Ter (NM_015088.3); short protein forms R94*, R130*.
Identifiers: ClinVar variation 5030996 (VCV005030996.1).

ClinVar aggregate classification (germline): Pathogenic (1 of 4 stars; one submission).

Conditions:
Inborn genetic diseases. Identifiers: MedGen C0950123, MeSH D030342.

gnomAD v4.1: 3 of 1,610,388 alleles (0.00019%); highest among the groups gnomAD compares: Non-Finnish European, 0.00025%; no homozygotes.

Submission:

Ambry Genetics
Classification: Pathogenic for Inborn genetic diseases. Last evaluated: 2026-09-03. Review status: criteria provided, single submitter. Criteria: Ambry Variant Classification Scheme 2023. Collection method: clinical testing. Allele origin: germline.
Comment: The c.280C>T (p.R94*) alteration, located in exon 4 (coding exon 4) of the TNRC6B gene, consists of a C to T substitution at nucleotide position 280. This changes the amino acid from a arginine (R) to a stop codon at amino acid position 94. This variant is expected to result in loss of function by premature protein truncation or nonsense-mediated mRNA decay. This variant was not reported in population-based cohorts in the Genome Aggregation Database (gnomAD). Based on the available evidence, this alteration is classified as pathogenic.